The following is an entry in ClinVar:

ClinVar aggregate classification (germline): Pathogenic. Review status: criteria provided, multiple submitters, no conflicts (2 of 4 stars). 2 submissions from 2 submitters: Pathogenic (2). Last evaluated 2024-06-07.

Conditions:
Senior-Loken syndrome 7 (SLSN7). Identifiers: Orphanet 3156, MedGen C3150877, MONDO:0013326, OMIM 613615.
Bardet-Biedl syndrome 16 (BBS16). Identifiers: Orphanet 110, MedGen C3889474, MONDO:0014444, OMIM 615993.

Submissions (2):

Labcorp Genetics (formerly Invitae), Labcorp
Classification: Pathogenic for Bardet-Biedl syndrome 16; Senior-Loken syndrome 7. Last evaluated: 2024-06-07. Review status: criteria provided, single submitter. Criteria: Invitae Variant Classification Sherloc (09022015). Collection method: clinical testing. Allele origin: germline.
Comment: This sequence change creates a premature translational stop signal (p.Cys283*) in the SDCCAG8 gene. It is expected to result in an absent or disrupted protein product. Loss-of-function variants in SDCCAG8 are known to be pathogenic (PMID: 20835237, 22190896). This variant is not present in population databases (gnomAD no frequency). This premature translational stop signal has been observed in individual(s) with clinical features of SDCCAG8-related conditions (PMID: 26968886, 31328266, 31534065). This variant is also known as c.845_848del, p.C282Lfs*2. For these reasons, this variant has been classified as Pathogenic.

Fulgent Genetics
Classification: Pathogenic for Senior-Loken syndrome 7; Bardet-Biedl syndrome 16. Last evaluated: 2024-04-02. Review status: criteria provided, single submitter. Criteria: ACMG Guidelines, 2015. Collection method: clinical testing. Allele origin: germline.

Literature cited by the submitters: PubMed 20835237 (cited by Labcorp Genetics (formerly Invitae), Labcorp); PubMed 22190896 (cited by Labcorp Genetics (formerly Invitae), Labcorp); PubMed 26968886 (cited by Labcorp Genetics (formerly Invitae), Labcorp); PubMed 31328266 (cited by Labcorp Genetics (formerly Invitae), Labcorp); PubMed 31534065 (cited by Labcorp Genetics (formerly Invitae), Labcorp).

NM_006642.5(SDCCAG8):c.849_852del (p.Leu282_Cys283insTer)

Gene: SDCCAG8 (SHH signaling and ciliogenesis regulator SDCCAG8; plus strand). Cytogenetic location: 1q43.
Variant type: Microsatellite.
Coding change: c.849_852del on transcript NM_006642.5 (MANE Select); coding-DNA positions 849 to 852, 4 bases deleted (TTTG; older notation c.849_852delTTTG).
Protein change: p.Leu282_Cys283insTer.
Molecular consequence: nonsense. On other transcripts: 5 prime UTR variant (3).
Genome position (GRCh38, 1-based): chr1:243,308,097-243,308,100, TTTG deleted; deleting any 4 consecutive bases within chr1:243,308,093-243,308,100 gives the same sequence; the c. name uses the placement nearest the transcript's 3' end. VCF-style (leftmost placement, unchanged base first): chr1-243308092-CTTTG-C. GRCh37 (hg19) VCF-style: chr1-243471394-CTTTG-C.
Other names: c.-59TTTG[1] (NM_001350246.2, NM_001350247.2, NM_001350251.2); c.945_948del, p.Leu314_Cys315insTer (NM_001350248.2); c.555_558del, p.Leu184_Cys185insTer (NM_001350249.2).
Identifiers: ClinVar variation 3582590 (VCV003582590.3).